The following is an entry in ClinVar:

ClinVar aggregate classification (germline): Uncertain significance (1 of 4 stars; one submission).

Conditions:
Hereditary cancer-predisposing syndrome. Also called: Neoplastic Syndromes, Hereditary; Tumor predisposition; Hereditary neoplastic syndrome; Hereditary Cancer Syndrome. Identifiers: Orphanet 140162, MedGen C0027672, MeSH D009386, MONDO:0015356.
Cardiovascular phenotype. Identifiers: MedGen CN230736.

Submission:

Ambry Genetics
Classification: Uncertain significance for Cardiovascular phenotype; Hereditary cancer-predisposing syndrome. Last evaluated: 2022-11-07. Review status: criteria provided, single submitter. Criteria: Ambry Variant Classification Scheme 2023. Collection method: clinical testing. Allele origin: germline.
Comment: The p.A1485V variant (also known as c.4454C>T), located in coding exon 33 of the NF1 gene, results from a C to T substitution at nucleotide position 4454. The alanine at codon 1485 is replaced by valine, an amino acid with similar properties. This amino acid position is conserved. In addition, this alteration is predicted to be deleterious by in silico analysis. Since supporting evidence is limited at this time, the clinical significance of this alteration remains unclear.

NM_001042492.3(NF1):c.4517C>T (p.Ala1506Val)

Gene: NF1 (neurofibromin 1; plus strand). Cytogenetic location: 17q11.2.
Variant type: single nucleotide variant.
Coding change: c.4517C>T on transcript NM_001042492.3 (MANE Select); coding-DNA position 4517, C replaced by T.
Protein change: p.Ala1506Val; replaces alanine 1506 with valine.
Molecular consequence: missense variant.
Genome position (GRCh38, 1-based): chr17:31,260,455, C>T. VCF-style: chr17-31260455-C-T. GRCh37 (hg19) VCF-style: chr17-29587473-C-T.
Other names: c.4454C>T, p.Ala1485Val (NM_000267.4); short protein forms A1485V, A1506V.
Identifiers: ClinVar variation 2452205 (VCV002452205.2), dbSNP rs2508421516, ClinGen allele CA398999642.